The following is an entry in ClinVar:

ClinVar aggregate classification (germline): Uncertain significance (1 of 4 stars; one submission).

Conditions:
Tuberous sclerosis 2 (TSC2). Identifiers: Orphanet 805, MedGen C1860707, MONDO:0013199, OMIM 613254.

Submission:

Labcorp Genetics (formerly Invitae), Labcorp
Classification: Uncertain significance for Tuberous sclerosis 2. Last evaluated: 2020-03-10. Review status: criteria provided, single submitter. Criteria: Invitae Variant Classification Sherloc (09022015). Collection method: clinical testing. Allele origin: germline.
Comment: In summary, the available evidence is currently insufficient to determine the role of this variant in disease. Therefore, it has been classified as a Variant of Uncertain Significance. Algorithms developed to predict the effect of sequence changes on RNA splicing suggest that this variant may disrupt the consensus splice site, but this prediction has not been confirmed by published transcriptional studies. This variant has not been reported in the literature in individuals with TSC2-related conditions. This variant is not present in population databases (ExAC no frequency). This sequence change falls in intron 35 of the TSC2 gene. It does not directly change the encoded amino acid sequence of the TSC2 protein.

NM_000548.5(TSC2):c.4570-10T>G

Gene: TSC2 (TSC complex subunit 2; plus strand). Cytogenetic location: 16p13.3.
Variant type: single nucleotide variant.
Coding change: c.4570-10T>G on transcript NM_000548.5 (MANE Select); 10 bases into the intron before coding-DNA position 4570, T replaced by G.
Molecular consequence: intron variant.
Genome position (GRCh38, 1-based): chr16:2,085,220, T>G. VCF-style: chr16-2085220-T-G. GRCh37 (hg19) VCF-style: chr16-2135221-T-G.
Other names: c.4501-10T>G (NM_001114382.3); c.4441-10T>G (NM_021055.3, NM_001370405.1); c.4372-10T>G (NM_001363528.2); c.4438-10T>G (NM_001370404.1); c.4369-10T>G (NM_001077183.3); c.4261-10T>G (NM_001318827.2); c.3838-10T>G (NM_001318831.2); c.4225-10T>G (NM_001318829.2); and 1 more.
Identifiers: ClinVar variation 1061384 (VCV001061384.9), dbSNP rs2151549277, ClinGen allele CA2499223342.
Genomic context (GRCh38, chr16:2,085,220, plus strand): 5'-GACCGGCCTGGGTGGGGCGGCCTCCTGTGGACGGGCGTCTGGGGCTCAGGCAGGGCTCTG[T>G]GTGCCACAGTCACAGTCCTTTGAGCGGTCGGTGCAGCTCCTCGACCAGATCCCATCATAC-3'